The following is an entry in ClinVar:

ClinVar aggregate classification (germline): Uncertain significance. Review status: criteria provided, multiple submitters, no conflicts (2 of 4 stars). 2 submissions from 2 submitters: Uncertain significance (2). Last evaluated 2025-09-02.

Allele frequency attached by ClinVar (database versions not stated): gnomAD exomes 0.00003 and 0.00006; ExAC 0.00005; ESP Exome Variant Server 0.00023; gnomAD 0.00028 and 0.00034; TOPMed 0.00032.
gnomAD v4.1: 79 of 1,552,472 alleles (0.0051%); highest among the groups gnomAD compares: African/African-American, 0.1%; 1 homozygote.

Submissions (2):

Labcorp Genetics (formerly Invitae), Labcorp
Classification: Uncertain significance. Last evaluated: 2025-09-02. Review status: criteria provided, single submitter. Criteria: Invitae Variant Classification Sherloc (09022015). Collection method: clinical testing. Allele origin: germline.
Comment: This sequence change replaces glutamic acid, which is acidic and polar, with glycine, which is neutral and non-polar, at codon 449 of the GUF1 protein (p.Glu449Gly). This variant is present in population databases (rs373221602, gnomAD 0.08%), and has an allele count higher than expected for a pathogenic variant. This variant has not been reported in the literature in individuals affected with GUF1-related conditions. ClinVar contains an entry for this variant (Variation ID: 1428289). An algorithm developed to predict the effect of missense changes on protein structure and function (PolyPhen-2) suggests that this variant is likely to be tolerated. In summary, the available evidence is currently insufficient to determine the role of this variant in disease. Therefore, it has been classified as a Variant of Uncertain Significance.

Ambry Genetics
Classification: Uncertain significance. Last evaluated: 2021-09-22. Review status: criteria provided, single submitter. Criteria: Ambry Variant Classification Scheme 2023. Collection method: clinical testing. Allele origin: germline.

NM_021927.3(GUF1):c.1346A>G (p.Glu449Gly)

Gene: GUF1 (GTP binding elongation factor GUF1; plus strand). Cytogenetic location: 4p12.
Variant type: single nucleotide variant.
Coding change: c.1346A>G on transcript NM_021927.3 (MANE Select); coding-DNA position 1346, A replaced by G.
Protein change: p.Glu449Gly; replaces glutamic acid 449 with glycine.
Molecular consequence: missense variant.
Genome position (GRCh38, 1-based): chr4:44,690,727, A>G. VCF-style: chr4-44690727-A-G. GRCh37 (hg19) VCF-style: chr4-44692744-A-G.
Other names: c.1346A>G (NM_021927.2); c.374A>G, p.Glu125Gly (NM_001345867.2, NM_001345869.2); c.1346A>G, p.Glu449Gly (NM_001345868.2); short protein forms E125G, E449G.
Identifiers: ClinVar variation 1428289 (VCV001428289.9), dbSNP rs373221602, ClinGen allele CA2905621.